The following is an entry in ClinVar:

ClinVar aggregate classification (germline): Uncertain significance (1 of 4 stars; one submission).

Conditions:
Craniolenticulosutural dysplasia (CLSD). Also called: BOYADJIEV-JABS SYNDROME. Identifiers: Orphanet 50814, MedGen C1843042, MONDO:0011911, OMIM 607812.

Submission:

Labcorp Genetics (formerly Invitae), Labcorp
Classification: Uncertain significance for Craniolenticulosutural dysplasia. Last evaluated: 2023-02-03. Review status: criteria provided, single submitter. Criteria: Invitae Variant Classification Sherloc (09022015). Collection method: clinical testing. Allele origin: germline.
Comment: In summary, the available evidence is currently insufficient to determine the role of this variant in disease. Therefore, it has been classified as a Variant of Uncertain Significance. Advanced modeling of protein sequence and biophysical properties (such as structural, functional, and spatial information, amino acid conservation, physicochemical variation, residue mobility, and thermodynamic stability) performed at Invitae indicates that this missense variant is not expected to disrupt SEC23A protein function. This variant has not been reported in the literature in individuals affected with SEC23A-related conditions. This variant is not present in population databases (gnomAD no frequency). This sequence change replaces proline, which is neutral and non-polar, with alanine, which is neutral and non-polar, at codon 293 of the SEC23A protein (p.Pro293Ala).

NM_006364.4(SEC23A):c.877C>G (p.Pro293Ala)

Gene: SEC23A (SEC23 homolog A, COPII component; minus strand). Cytogenetic location: 14q21.1.
Variant type: single nucleotide variant.
Coding change: c.877C>G on transcript NM_006364.4 (MANE Select); coding-DNA position 877, C replaced by G.
Protein change: p.Pro293Ala; replaces proline 293 with alanine.
Molecular consequence: missense variant.
Genome position (GRCh38, 1-based): chr14:39,076,045, G>C on the plus strand (C>G on the coding strand, the complement: SEC23A is on the minus strand). VCF-style: chr14-39076045-G-C. GRCh37 (hg19) VCF-style: chr14-39545249-G-C.
Other names: short protein forms P293A.
Identifiers: ClinVar variation 2961183 (VCV002961183.3), dbSNP rs2548629800, ClinGen allele CA389535874.